The following is an entry in ClinVar:

NM_000297.4(PKD2):c.908C>G (p.Ala303Gly)

Gene: PKD2 (polycystin 2, transient receptor potential cation channel; plus strand). Cytogenetic location: 4q22.1.
Variant type: single nucleotide variant.
Coding change: c.908C>G on transcript NM_000297.4 (MANE Select); coding-DNA position 908, C replaced by G.
Protein change: p.Ala303Gly; replaces alanine 303 with glycine.
Molecular consequence: missense variant. On other transcripts: non-coding transcript variant (1).
Genome position (GRCh38, 1-based): chr4:88,038,315, C>G. VCF-style: chr4-88038315-C-G. GRCh37 (hg19) VCF-style: chr4-88959467-C-G.
Other names: short protein forms A303G.
Identifiers: ClinVar variation 1805493 (VCV001805493.8), dbSNP rs374751939, ClinGen allele CA3003838.

ClinVar aggregate classification (germline): Uncertain significance. Review status: criteria provided, multiple submitters, no conflicts (2 of 4 stars). 4 submissions from 4 submitters: Uncertain significance (4). Last evaluated 2024-01-02.

Conditions:
Inborn genetic diseases. Identifiers: MedGen C0950123, MeSH D030342.
Autosomal dominant polycystic kidney disease. Identifiers: Orphanet 730, MedGen C0085413, MONDO:0004691.
Polycystic kidney disease 2 (PKD2). Also called: Polycystic Kidney Disease 2, Autosomal Dominant; POLYCYSTIC KIDNEY DISEASE, ADULT, TYPE II; POLYCYSTIC KIDNEY DISEASE 2 WITH OR WITHOUT POLYCYSTIC LIVER DISEASE. Identifiers: MedGen C2751306, MONDO:0013131, OMIM 613095.

Allele frequency attached by ClinVar (database versions not stated): ExAC 0.00002; gnomAD exomes 0.00002; TOPMed 0.00002; gnomAD 0.00004; ESP Exome Variant Server 0.00008.
gnomAD v4.1: 45 of 1,613,648 alleles (0.0028%); highest among the groups gnomAD compares: Non-Finnish European, 0.0031%; no homozygotes.

Submissions (4):

Fulgent Genetics
Classification: Uncertain significance for Polycystic kidney disease 2. Last evaluated: 2024-01-02. Review status: criteria provided, single submitter. Criteria: ACMG Guidelines, 2015. Collection method: clinical testing. Allele origin: germline.

Labcorp Genetics (formerly Invitae), Labcorp
Classification: Uncertain significance for Autosomal dominant polycystic kidney disease. Last evaluated: 2023-01-30. Review status: criteria provided, single submitter. Criteria: Invitae Variant Classification Sherloc (09022015). Collection method: clinical testing. Allele origin: germline.
Comment: In summary, the available evidence is currently insufficient to determine the role of this variant in disease. Therefore, it has been classified as a Variant of Uncertain Significance. Advanced modeling of protein sequence and biophysical properties (such as structural, functional, and spatial information, amino acid conservation, physicochemical variation, residue mobility, and thermodynamic stability) performed at Invitae indicates that this missense variant is not expected to disrupt PKD2 protein function. ClinVar contains an entry for this variant (Variation ID: 1805493). This variant has not been reported in the literature in individuals affected with PKD2-related conditions. This variant is present in population databases (rs374751939, gnomAD 0.002%). This sequence change replaces alanine, which is neutral and non-polar, with glycine, which is neutral and non-polar, at codon 303 of the PKD2 protein (p.Ala303Gly).

Ambry Genetics
Classification: Uncertain significance for Inborn genetic diseases. Last evaluated: 2022-08-17. Review status: criteria provided, single submitter. Criteria: Ambry Variant Classification Scheme 2023. Collection method: clinical testing. Allele origin: germline.

Victorian Clinical Genetics Services, Murdoch Childrens Research Institute
Classification: Uncertain significance for Polycystic kidney disease 2. Last evaluated: 2020-05-21. Review status: criteria provided, single submitter. Criteria: ACMG Guidelines, 2015. Collection method: clinical testing. Allele origin: germline. Inheritance: Autosomal dominant inheritance. Affected: yes.
Comment: Based on the classification scheme VCGS_Germline_v1.1.1, this variant is classified as VUS – 3C. Following criteria are met: 0102 - Loss-of-function is a known mechanism of disease for this gene. (N) 0107 - This gene is known to be associated with autosomal dominant disease. (N) 0200 - Variant is predicted to result in a missense amino acid change from an alanine to a glycine (exon 4). (N) 0251 - Variant is heterozygous. (N) 0302 - Variant is present in gnomAD <0.001 for a dominant condition (2 heterozygotes, 0 homozygotes). (P) 0503 - Missense variant consistently predicted to be tolerated and is not conserved in mammals with a minor amino acid change. (B) 0504 - Same amino acid change has been observed in mammals. (B) 0600 - Variant is located in an annotated domain or motif, (PKD channel domain; PDB, NCBI). (N) 0705 - No comparable variants have previous evidence for pathogenicity. (N) 0807 - Variant has not previously been reported in a clinical context. (N) 0905 - No segregation evidence has been identified for this variant. (N) 1007 - No published functional evidence has been identified for this variant. (N) 1208 - Inheritance information for this variant is not currently available. (N) Legend: (P) - Pathogenic, (N) - Neutral, (B) - Benign